The following is an entry in ClinVar:

NM_004341.5(CAD):c.5429G>A (p.Arg1810Gln)

Gene: CAD (carbamoyl-phosphate synthetase 2, aspartate transcarbamylase, and dihydroorotase; plus strand). Cytogenetic location: 2p23.3.
Variant type: single nucleotide variant.
Coding change: c.5429G>A on transcript NM_004341.5 (MANE Select); coding-DNA position 5429, G replaced by A.
Protein change: p.Arg1810Gln; replaces arginine 1810 with glutamine.
Molecular consequence: missense variant.
Genome position (GRCh38, 1-based): chr2:27,239,731, G>A. VCF-style: chr2-27239731-G-A. GRCh37 (hg19) VCF-style: chr2-27462599-G-A.
Other names: c.5240G>A, p.Arg1747Gln (NM_001306079.2); short protein forms R1810Q, R1747Q.
Identifiers: ClinVar variation 422220 (VCV000422220.33), dbSNP rs139332887, ClinGen allele CA1573863.

ClinVar aggregate classification (germline): Pathogenic/Likely pathogenic. Review status: criteria provided, multiple submitters, no conflicts (2 of 4 stars). 12 submissions from 12 submitters: Pathogenic (3); Likely pathogenic (9). Last evaluated 2026-06-23.

Conditions:
Infantile epileptic dyskinetic encephalopathy. Identifiers: Orphanet 364063, MedGen C4552072, MONDO:0018226.
CAD-related disorder. Also called: CAD-related condition.
Developmental and epileptic encephalopathy, 50 (DEE50). Also called: Epileptic encephalopathy, early infantile, 50. Identifiers: Orphanet 448010, MedGen C4225320, MONDO:0014647, OMIM 616457.

Allele frequency attached by ClinVar (database versions not stated): gnomAD exomes 0.00034 and 0.00021; ExAC 0.00035; TOPMed 0.00019; 1000 Genomes Project 0.00020; ESP Exome Variant Server 0.00023; gnomAD 0.00028 and 0.00029; 1000 Genomes Project 30x 0.00031.
gnomAD v4.1: 354 of 1,594,470 alleles (0.022%); highest among the groups gnomAD compares: Non-Finnish European, 0.013%; no homozygotes.

Submissions (12):

Institute of Human Genetics, University of Leipzig Medical Center
Classification: Likely pathogenic for Developmental and epileptic encephalopathy, 50. Last evaluated: 2026-06-23. Review status: criteria provided, single submitter. Criteria: ACMG Guidelines, 2015. Collection method: clinical testing. Allele origin: unknown. Inheritance: Autosomal recessive inheritance. Affected: yes.
Comment: Criteria applied: PM2,PM3,PS3_SUP,PP2; Identified as compund heterozygous with NM_004341.5:c.1588G>A

Labcorp Genetics (formerly Invitae), Labcorp
Classification: Pathogenic. Last evaluated: 2026-01-23. Review status: criteria provided, single submitter. Criteria: Invitae Variant Classification Sherloc (09022015). Collection method: clinical testing. Allele origin: germline.
Comment: This sequence change replaces arginine, which is basic and polar, with glutamine, which is neutral and polar, at codon 1810 of the CAD protein (p.Arg1810Gln). This variant is present in population databases (rs139332887, gnomAD 0.2%). This missense change has been observed in individual(s) with CAD-related conditions (PMID: 32820246, 33497533). In at least one individual the data is consistent with being in trans (on the opposite chromosome) from a pathogenic variant. It has also been observed to segregate with disease in related individuals. ClinVar contains an entry for this variant (Variation ID: 422220). An algorithm developed to predict the effect of missense changes on protein structure and function (PolyPhen-2) suggests that this variant is likely to be tolerated. For these reasons, this variant has been classified as Pathogenic.

GeneDx
Classification: Likely pathogenic. Last evaluated: 2025-11-24. Review status: criteria provided, single submitter. Criteria: GeneDx Variant Classification Process June 2021. Collection method: clinical testing. Allele origin: germline. Affected: yes.
Comment: Has been reported in patients with CAD deficiency in the published literature (PMID: 32820246, 33497533, 37540500); Published functional studies suggest a damaging effect with this variant possibly resulting in decreased protein stability (PMID: 37540500); In silico analysis suggests that this missense variant does not alter protein structure/function; This variant is associated with the following publications: (PMID: 32820246, 35242569, 28719003, 26740555, 37540500, Dragolova2022[BachelorsThesis], 33497533)

3billion
Classification: Likely pathogenic for Developmental and epileptic encephalopathy, 50. Last evaluated: 2025-09-01. Review status: criteria provided, single submitter. Criteria: ACMG Guidelines, 2015. Collection method: clinical testing. Allele origin: germline. Affected: yes.
Comment: The variant is observed at an extremely low frequency in the gnomAD v4.1.0 dataset (total allele frequency: 0.022%). Predicted Consequence/Location: Missense variant The same nucleotide change resulting in the same amino acid change has been previously reported as pathogenic/likely pathogenic with strong evidence (ClinVar ID: VCV000422220 /PMID: 32820246). The variant has been reported to be in trans with a pathogenic variant as either compound heterozygous or homozygous in at least one similarly affected unrelated individual (PMID: 33497533). The variant has been reported to co-segregate with the disease in at least one similarly affected relative/individual in the same family or similarly affected unrelated families (PMID: 33497533). Therefore, this variant is classified as Likely pathogenic according to the recommendation of ACMG/AMP guideline.

CeGaT Center for Human Genetics Tuebingen
Classification: Likely pathogenic. Last evaluated: 2025-06-01. Review status: criteria provided, single submitter. Criteria: CeGaT Center For Human Genetics Tuebingen Variant Classification Criteria Version 2. Collection method: clinical testing. Allele origin: germline. Affected: yes. Observed: 1 variant allele.
Comment: CAD: PM3:Strong, PM2, PS3:Supporting

Women's Health and Genetics/Laboratory Corporation of America, LabCorp
Classification: Pathogenic for Infantile epileptic dyskinetic encephalopathy. Last evaluated: 2025-04-03. Review status: criteria provided, single submitter. Criteria: LabCorp Variant Classification Summary - May 2015. Collection method: clinical testing. Allele origin: germline.
Comment: Variant summary: CAD c.5429G>A (p.Arg1810Gln) results in a conservative amino acid change in the encoded protein sequence. Three of five in-silico tools predict a benign effect of the variant on protein function. The variant allele was found at a frequency of 0.00034 in 235756 control chromosomes (gnomAD). This frequency is not significantly higher than estimated for a pathogenic variant in CAD causing Early Infantile Epileptic Encephalopathy, 50 (0.00034 vs 0.0011), allowing no conclusion about variant significance. c.5429G>A has been reported in the literature in individuals affected with CAD-related conditions (Rymen_2020, McGraw_2021). The variant has been shown to segregate with the disease in a family. It has also seen in trans with a pathogenic variant. These data indicate that the variant is likely to be associated with disease. Functional studies show the variant affects protein function (DelCao-Ochoa_2023). The following publications have been ascertained in the context of this evaluation (PMID: 33497533, 32820246, 37540500). ClinVar contains an entry for this variant (Variation ID: 422220). Based on the evidence outlined above, the variant was classified as pathogenic.

Laboratory of Genetics, Children's Clinical University Hospital Latvia
Classification: Pathogenic. Last evaluated: 2025-02-16. Review status: criteria provided, single submitter. Criteria: ACMG Guidelines, 2015. Collection method: clinical testing. Allele origin: germline. Affected: yes.

Blueprint Genetics
Classification: Likely pathogenic for CAD-related disorders. Last evaluated: 2024-07-25. Review status: criteria provided, single submitter. Criteria: ACMG Guidelines, 2015. Collection method: clinical testing. Allele origin: germline. Affected: yes. Observed: 5 variant alleles.

Fulgent Genetics
Classification: Likely pathogenic for Developmental and epileptic encephalopathy, 50. Last evaluated: 2024-06-19. Review status: criteria provided, single submitter. Criteria: ACMG Guidelines, 2015. Collection method: clinical testing. Allele origin: germline.

Revvity Omics, Revvity
Classification: Likely pathogenic for Developmental and epileptic encephalopathy, 50. Last evaluated: 2023-07-21. Review status: criteria provided, single submitter. Criteria: ACMG Guidelines, 2015. Collection method: clinical testing. Allele origin: germline.

Victorian Clinical Genetics Services, Murdoch Childrens Research Institute
Classification: Likely pathogenic for Developmental and epileptic encephalopathy, 50. Last evaluated: 2023-07-17. Review status: criteria provided, single submitter. Criteria: ACMG Guidelines, 2015. Collection method: clinical testing. Allele origin: germline. Inheritance: Autosomal recessive inheritance.
Comment: Based on the classification scheme VCGS_Germline_v1.3.4, this variant is classified as Likely Pathogenic. Following criteria are met: 0102 - Loss of function is a known mechanism of disease in this gene and is associated with developmental and epileptic encephalopathy 50 (MIM#616457). (I) 0106 - This gene is associated with autosomal recessive disease. (I) 0200 - Variant is predicted to result in a missense amino acid change from arginine to glutamine. (I) 0251 - This variant is heterozygous. (I) 0304 - Variant is present in gnomAD (v2) <0.01 for a recessive condition (94 heterozygotes, 0 homozygotes). (SP) 0309 - An alternative amino acid change at the same position has been observed in gnomAD (v2) (1 heterozygote, 1 homozygote). (I) 0502 - Missense variant with conflicting in silico predictions and uninformative conservation. (I) 0604 - Variant is not located in an established domain, motif, hotspot or informative constraint region. (I) 0705 - No comparable missense variants have previous evidence for pathogenicity. (I) 0801 - This variant has strong previous evidence of pathogenicity in unrelated individuals. This variant has been classified several times as likely pathogenic, and reported in at least five unrelated individuals with uridine-responsive epileptic encephalopathy (ClinVar, PMID: 33497533, PMID: 32820246). (SP) 0906 - Segregation evidence for this variant is inconclusive. This variant has segregated in two affected siblings, however there is insufficent segregation evidence to establish the significance of this finding (PMID: 33497533). (I) 1007 - No published functional evidence has been identified for this variant. (I) Legend: (SP) - Supporting pathogenic, (I) - Information, (SB) - Supporting benign

Mendelics
Classification: Likely pathogenic for Developmental and epileptic encephalopathy, 50. Last evaluated: 2019-05-28. Review status: criteria provided, single submitter. Criteria: Mendelics Assertion Criteria 2017. Collection method: clinical testing. Allele origin: unknown.

Literature cited by the submitters: PubMed 32820246 (cited by 4 submitters); PubMed 33497533 (cited by 4 submitters); PubMed 37540500 (cited by Women's Health and Genetics/Laboratory Corporation of America, LabCorp).